The following is an entry in ClinVar:

NM_004656.4(BAP1):c.102_109del (p.Asp34fs)

Gene: BAP1 (BRCA1 associated deubiquitinase 1; minus strand). Cytogenetic location: 3p21.1.
Variant type: Deletion.
Coding change: c.102_109del on transcript NM_004656.4 (MANE Select); coding-DNA positions 102 to 109, 8 bases deleted (CCTTCAGA; older notation c.102_109delCCTTCAGA).
Protein change: p.Asp34fs; shifts the reading frame from aspartic acid 34.
Molecular consequence: frameshift variant.
Genome position (GRCh38, 1-based): chr3:52,409,567-52,409,574, TCTGAAGG deleted on the plus strand (CCTTCAGA on the coding strand, the reverse complement: BAP1 is on the minus strand); deleting any 8 consecutive bases within chr3:52,409,567-52,409,576 gives the same sequence; the c. name uses the placement nearest the transcript's 3' end. VCF-style (leftmost placement, unchanged base first): chr3-52409566-CTCTGAAGG-C. GRCh37 (hg19) VCF-style: chr3-52443582-CTCTGAAGG-C.
Other names: short protein forms D34fs.
Identifiers: ClinVar variation 1075173 (VCV001075173.5), dbSNP rs2153228520, ClinGen allele CA2499216957.
Genomic context (GRCh38, chr3:52,409,566, plus strand): 5'-CCCCAGCACTCTGGGTGTAAGGGGCAGCCCTGGTGTACAGCCACTCACCCCTGACATTTG[CTCTGAAGG>C]TCGTAGATCTCCTCCACTTGCACCCCCTTGACACCTGCGATGAGGAAAGGAAAGCAGTAG-3'

ClinVar aggregate classification (germline): Pathogenic (1 of 4 stars; one submission).

Conditions:
BAP1-related tumor predisposition syndrome (TPDS1). Also called: BAP1 tumor predisposition syndrome; COMMON Syndrome; TUMOR PREDISPOSITION SYNDROME 1; Tumor susceptibility linked to germline BAP1 mutations. Identifiers: Orphanet 289539, MedGen C3280492, MONDO:0013692, OMIM 614327.

Submission:

Labcorp Genetics (formerly Invitae), Labcorp
Classification: Pathogenic for BAP1-related tumor predisposition syndrome. Last evaluated: 2021-05-21. Review status: criteria provided, single submitter. Criteria: Invitae Variant Classification Sherloc (09022015). Collection method: clinical testing. Allele origin: germline.
Comment: This variant is not present in population databases (ExAC no frequency). This sequence change creates a premature translational stop signal (p.Asp34Glufs*32) in the BAP1 gene. It is expected to result in an absent or disrupted protein product. Loss-of-function variants in BAP1 are known to be pathogenic (PMID: 21874000, 23684012). This variant has not been reported in the literature in individuals with BAP1-related conditions. For these reasons, this variant has been classified as Pathogenic.

Literature cited by the submitters: PubMed 21874000; PubMed 23684012.